The following is an entry in ClinVar:

ClinVar aggregate classification (germline): Uncertain significance. Review status: criteria provided, multiple submitters, no conflicts (2 of 4 stars). 5 submissions from 5 submitters: Uncertain significance (5). Last evaluated 2026-05-26.

Conditions:
Saldino-Mainzer syndrome (SRTD9). Also called: CONORENAL SYNDROME; SHORT-RIB THORACIC DYSPLASIA 9 WITHOUT POLYDACTYLY; Renal dysplasia, retinal pigmentary dystrophy, cerebellar ataxia and skeletal dysplasia; short-rib thoracic dysplasia 9 with or without polydactyly. Identifiers: Orphanet 140969, MedGen C1849437, MONDO:0009964, OMIM 266920.
Retinitis pigmentosa 80 (RP80). Identifiers: MedGen C4540439, MONDO:0054708, OMIM 617781.
IFT140-related disorder. Also called: IFT140-related condition.
Retinal dystrophy. Also called: Inherited retinal dystrophy. Identifiers: Orphanet 71862, MedGen C0854723, MeSH D058499, MONDO:0019118, HP:0000556.

Allele frequency attached by ClinVar (database versions not stated): ExAC 0.00003; 1000 Genomes Project 0.00020; 1000 Genomes Project 30x 0.00031.
gnomAD v4.1: 29 of 1,613,968 alleles (0.0018%); highest among the groups gnomAD compares: Middle Eastern, 0.017%; no homozygotes.

Submissions (5):

PreventionGenetics, part of Exact Sciences
Classification: Uncertain significance for IFT140-related condition. Last evaluated: 2026-05-26. Review status: criteria provided, single submitter. Criteria: ACMG Guidelines, 2015. Collection method: clinical testing. Allele origin: germline.
Comment: The IFT140 c.2317C>T variant is predicted to result in the amino acid substitution p.Arg773Trp. This variant has been reported in an individual with polycystic kidney disease (Suzuki et al. 2023. PubMed ID: 36833371). This variant is reported in 0.022% of alleles in individuals of East Asian descent in gnomAD. At this time, the clinical significance of this variant is uncertain due to the absence of conclusive functional and genetic evidence.

Labcorp Genetics (formerly Invitae), Labcorp
Classification: Uncertain significance for Saldino-Mainzer syndrome. Last evaluated: 2025-07-09. Review status: criteria provided, single submitter. Criteria: Invitae Variant Classification Sherloc (09022015). Collection method: clinical testing. Allele origin: germline.
Comment: This sequence change replaces arginine, which is basic and polar, with tryptophan, which is neutral and slightly polar, at codon 773 of the IFT140 protein (p.Arg773Trp). This variant is present in population databases (rs202236303, gnomAD 0.02%). This missense change has been observed in individual(s) with polycystic kidney disease (PMID: 36833371). ClinVar contains an entry for this variant (Variation ID: 3028340). Invitae Evidence Modeling of protein sequence and biophysical properties (such as structural, functional, and spatial information, amino acid conservation, physicochemical variation, residue mobility, and thermodynamic stability) has been performed for this missense variant. However, the output from this modeling did not meet the statistical confidence thresholds required to predict the impact of this variant on IFT140 protein function. In summary, the available evidence is currently insufficient to determine the role of this variant in disease. Therefore, it has been classified as a Variant of Uncertain Significance.

Fulgent Genetics
Classification: Uncertain significance for Saldino-Mainzer syndrome; Retinitis pigmentosa 80. Last evaluated: 2024-05-08. Review status: criteria provided, single submitter. Criteria: ACMG Guidelines, 2015. Collection method: clinical testing. Allele origin: germline.

Dept Of Ophthalmology, Nagoya University
Classification: Uncertain significance for Retinal dystrophy. Last evaluated: 2023-10-01. Review status: criteria provided, single submitter. Criteria: Submitter's publication. Collection method: research. Allele origin: germline. Affected: yes.

Blueprint Genetics
Classification: Uncertain significance. Last evaluated: 2022-06-13. Review status: criteria provided, single submitter. Criteria: ACMG Guidelines, 2015. Collection method: clinical testing. Allele origin: germline.

Literature cited by the submitters: PubMed 36833371 (cited by Labcorp Genetics (formerly Invitae), Labcorp).

NM_014714.4(IFT140):c.2317C>T (p.Arg773Trp)

Gene: IFT140 (intraflagellar transport 140; minus strand). Cytogenetic location: 16p13.3.
Variant type: single nucleotide variant.
Coding change: c.2317C>T on transcript NM_014714.4 (MANE Select); coding-DNA position 2317, C replaced by T.
Protein change: p.Arg773Trp; replaces arginine 773 with tryptophan.
Molecular consequence: missense variant.
Genome position (GRCh38, 1-based): chr16:1,558,017, G>A on the plus strand (C>T on the coding strand, the complement: IFT140 is on the minus strand). VCF-style: chr16-1558017-G-A. GRCh37 (hg19) VCF-style: chr16-1608018-G-A.
Other names: c.2317C>T (NM_014714.3); short protein forms R773W.
Identifiers: ClinVar variation 3028340 (VCV003028340.5), dbSNP rs202236303, ClinGen allele CA7813940.